The following is an entry in ClinVar:

NC_000007.13:g.(?_99699407)_(99704283_?)del

Genes: AP4M1 (adaptor related protein complex 4 subunit mu 1; plus strand), MCM7 (minichromosome maintenance complex component 7; minus strand). Cytogenetic location: 7q22.1.
Variant type: Deletion.
Identifiers: ClinVar variation 3245786 (VCV003245786.1).

ClinVar aggregate classification (germline): Pathogenic (1 of 4 stars; one submission).

Conditions:
Hereditary spastic paraplegia 50 (SPG50). Also called: Spastic paraplegia 50, autosomal recessive. Identifiers: Orphanet 280763, MedGen C2752008, MONDO:0013048, OMIM 612936.

Submission:

Labcorp Genetics (formerly Invitae), Labcorp
Classification: Pathogenic for Hereditary spastic paraplegia 50. Last evaluated: 2023-10-17. Review status: criteria provided, single submitter. Criteria: Invitae Variant Classification Sherloc (09022015). Collection method: clinical testing. Allele origin: unknown.
Comment: This variant results in the deletion of exons 2-14 and part of exon 15 (c.58+12_1140delins75) of the AP4M1 gene. While this variant is not anticipated to result in nonsense mediated decay, it likely alters RNA splicing and results in a disrupted protein product. This variant has not been reported in the literature in individuals affected with AP4M1-related conditions. Variants that disrupt the consensus splice site are a relatively common cause of aberrant splicing (PMID: 17576681, 9536098). This variant disrupts a region of the AP4M1 protein in which other variant(s) (p.Tyr284Ser) have been determined to be pathogenic (PMID: 32979048). This suggests that this is a clinically significant region of the protein, and that variants that disrupt it are likely to be disease-causing. For these reasons, this variant has been classified as Pathogenic.

Literature cited by the submitters: PubMed 17576681; PubMed 9536098; PubMed 32979048.